The following is an entry in ClinVar:

NM_000059.4(BRCA2):c.6470A>G (p.Gln2157Arg)

Gene: BRCA2 (BRCA2 DNA repair associated; plus strand). Cytogenetic location: 13q13.1.
Variant type: single nucleotide variant.
Coding change: c.6470A>G on transcript NM_000059.4 (MANE Select); coding-DNA position 6470, A replaced by G.
Protein change: p.Gln2157Arg; replaces glutamine 2157 with arginine.
Molecular consequence: missense variant.
Genome position (GRCh38, 1-based): chr13:32,340,825, A>G. VCF-style: chr13-32340825-A-G. GRCh37 (hg19) VCF-style: chr13-32914962-A-G.
Other names: short protein forms Q2157R.
Identifiers: ClinVar variation 963605 (VCV000963605.16), dbSNP rs1456778960, ClinGen allele CA387789394.

ClinVar aggregate classification (germline): Conflicting classifications of pathogenicity. Review status: criteria provided, conflicting classifications (1 of 4 stars). 4 submissions from 4 submitters: Uncertain significance (3); Likely benign (1). Last evaluated 2024-11-17.

Conditions:
Hereditary cancer-predisposing syndrome. Also called: Tumor predisposition; Hereditary neoplastic syndrome; Hereditary Cancer Syndrome; Neoplastic Syndromes, Hereditary. Identifiers: Orphanet 140162, MedGen C0027672, MeSH D009386, MONDO:0015356.
Hereditary breast ovarian cancer syndrome. Also called: BRCA1- and BRCA2-Associated Hereditary Breast and Ovarian Cancer; Hereditary breast and ovarian cancer; Hereditary breast and/or ovarian cancer syndrome; Hereditary breast and ovarian cancer syndrome; Hereditary breast and ovarian cancer syndrome (HBOC); Breast and ovarian cancer. Identifiers: Orphanet 145, MedGen C0677776, MeSH D061325, MONDO:0003582. Disease mechanism: loss of function.

Allele frequency attached by ClinVar (database versions not stated): TOPMed 0.00001.

Submissions (4):

Ambry Genetics
Classification: Uncertain significance for Hereditary cancer-predisposing syndrome. Last evaluated: 2024-11-17. Review status: criteria provided, single submitter. Criteria: Ambry Variant Classification Scheme 2023. Collection method: clinical testing. Allele origin: germline.
Comment: The p.Q2157R variant (also known as c.6470A>G), located in coding exon 10 of the BRCA2 gene, results from an A to G substitution at nucleotide position 6470. The glutamine at codon 2157 is replaced by arginine, an amino acid with highly similar properties. This amino acid position is poorly conserved in available vertebrate species. In addition, the in silico prediction for this alteration is inconclusive. Since supporting evidence is limited at this time, the clinical significance of this alteration remains unclear.

University of Washington Department of Laboratory Medicine, University of Washington
Classification: Likely benign for Hereditary cancer-predisposing syndrome. Last evaluated: 2023-03-23. Review status: criteria provided, single submitter. Criteria: Dines et al. (Genet Med. 2020). Collection method: curation. Allele origin: germline.
Comment: Missense variant in a coldspot region where missense variants are very unlikely to be pathogenic (PMID:31911673).

BRCA2 exon 11 coldspot. Reclassification based on statistical prior probability.

GeneDx
Classification: Uncertain significance. Last evaluated: 2021-04-06. Review status: criteria provided, single submitter. Criteria: GeneDx Variant Classification Process June 2021. Collection method: clinical testing. Allele origin: germline. Affected: yes.
Comment: Not observed in large population cohorts (Lek 2016); In silico analysis supports that this missense variant does not alter protein structure/function; Has not been previously published as pathogenic or benign to our knowledge; Also known as 6698A>G

Labcorp Genetics (formerly Invitae), Labcorp
Classification: Uncertain significance for Hereditary breast ovarian cancer syndrome. Last evaluated: 2019-09-06. Review status: criteria provided, single submitter. Criteria: Invitae Variant Classification Sherloc (09022015). Collection method: clinical testing. Allele origin: germline.
Comment: In summary, the available evidence is currently insufficient to determine the role of this variant in disease. Therefore, it has been classified as a Variant of Uncertain Significance. Algorithms developed to predict the effect of missense changes on protein structure and function output the following: SIFT: "Tolerated"; PolyPhen-2: "Benign"; Align-GVGD: "Class C0". The arginine amino acid residue is found in multiple mammalian species, suggesting that this missense change does not adversely affect protein function. These predictions have not been confirmed by published functional studies and their clinical significance is uncertain. This variant has not been reported in the literature in individuals with BRCA2-related conditions. This variant is not present in population databases (ExAC no frequency). This sequence change replaces glutamine with arginine at codon 2157 of the BRCA2 protein (p.Gln2157Arg). The glutamine residue is weakly conserved and there is a small physicochemical difference between glutamine and arginine.